The following is an entry in ClinVar:

NM_015512.5(DNAH1):c.7377+17C>T

Gene: DNAH1 (dynein axonemal heavy chain 1; plus strand). Cytogenetic location: 3p21.1.
Variant type: single nucleotide variant.
Coding change: c.7377+17C>T on transcript NM_015512.5 (MANE Select); 17 bases into the intron after coding-DNA position 7377, C replaced by T.
Molecular consequence: intron variant.
Genome position (GRCh38, 1-based): chr3:52,378,797, C>T. VCF-style: chr3-52378797-C-T. GRCh37 (hg19) VCF-style: chr3-52412813-C-T.
Identifiers: ClinVar variation 1464624 (VCV001464624.5), dbSNP rs758941523, ClinGen allele CA543057623.

ClinVar aggregate classification (germline): Uncertain significance (1 of 4 stars; one submission).

Conditions:
Spermatogenic failure 18. Identifiers: MedGen C4539783, MONDO:0054615, OMIM 617576.
Ciliary dyskinesia, primary, 37 (CILD37). Also called: CILIARY DYSKINESIA, PRIMARY, 37, WITH OR WITHOUT SITUS INVERSUS. Identifiers: MedGen C4539798, MONDO:0033204, OMIM 617577.

gnomAD v4.1: 3 of 1,613,034 alleles (0.00019%); highest among the groups gnomAD compares: Admixed American, 0.0033%; no homozygotes.

Submission:

Labcorp Genetics (formerly Invitae), Labcorp
Classification: Uncertain significance for Ciliary dyskinesia, primary, 37; Spermatogenic failure 18. Last evaluated: 2021-10-14. Review status: criteria provided, single submitter. Criteria: Invitae Variant Classification Sherloc (09022015). Collection method: clinical testing. Allele origin: germline.
Comment: This sequence change falls in intron 47 of the DNAH1 gene. It does not directly change the encoded amino acid sequence of the DNAH1 protein. This variant is not present in population databases (ExAC no frequency). This variant has not been reported in the literature in individuals affected with DNAH1-related conditions. Algorithms developed to predict the effect of sequence changes on RNA splicing suggest that this variant may create or strengthen a splice site. In summary, the available evidence is currently insufficient to determine the role of this variant in disease. Therefore, it has been classified as a Variant of Uncertain Significance.